The following is an entry in ClinVar:

ClinVar aggregate classification (germline): Uncertain significance (1 of 4 stars; one submission).

Conditions:
Charcot-Marie-Tooth disease axonal type 2O. Also called: CHARCOT-MARIE-TOOTH NEUROPATHY, AXONAL, TYPE 2O; CHARCOT-MARIE-TOOTH DISEASE, AXONAL, AUTOSOMAL DOMINANT, TYPE 2O; Charcot-Marie-Tooth Neuropathy Type 2O; Charcot-Marie-Tooth disease, axonal, type 20. Identifiers: Orphanet 284232, MedGen C3280220, MONDO:0013644, OMIM 614228.

Submission:

Labcorp Genetics (formerly Invitae), Labcorp
Classification: Uncertain significance for Charcot-Marie-Tooth disease axonal type 2O. Last evaluated: 2025-08-12. Review status: criteria provided, single submitter. Criteria: Invitae Variant Classification Sherloc (09022015). Collection method: clinical testing. Allele origin: germline.
Comment: This sequence change replaces valine, which is neutral and non-polar, with methionine, which is neutral and non-polar, at codon 812 of the DYNC1H1 protein (p.Val812Met). This variant is not present in population databases (gnomAD no frequency). This variant has not been reported in the literature in individuals affected with DYNC1H1-related conditions. Invitae Evidence Modeling of protein sequence and biophysical properties (such as structural, functional, and spatial information, amino acid conservation, physicochemical variation, residue mobility, and thermodynamic stability) has been performed for this missense variant. However, the output from this modeling did not meet the statistical confidence thresholds required to predict the impact of this variant on DYNC1H1 protein function. In summary, the available evidence is currently insufficient to determine the role of this variant in disease. Therefore, it has been classified as a Variant of Uncertain Significance.

NM_001376.5(DYNC1H1):c.2434G>A (p.Val812Met)

Gene: DYNC1H1 (dynein cytoplasmic 1 heavy chain 1; plus strand). Cytogenetic location: 14q32.31.
Variant type: single nucleotide variant.
Coding change: c.2434G>A on transcript NM_001376.5 (MANE Select); coding-DNA position 2434, G replaced by A.
Protein change: p.Val812Met; replaces valine 812 with methionine.
Molecular consequence: missense variant.
Genome position (GRCh38, 1-based): chr14:101,986,659, G>A. VCF-style: chr14-101986659-G-A. GRCh37 (hg19) VCF-style: chr14-102452996-G-A.
Other names: short protein forms V812M.
Identifiers: ClinVar variation 4802041 (VCV004802041.1).